The following is an entry in ClinVar:

NM_007294.4(BRCA1):c.5407-12C>A

Gene: BRCA1 (BRCA1 DNA repair associated; minus strand). Cytogenetic location: 17q21.31.
Variant type: single nucleotide variant.
Coding change: c.5407-12C>A on transcript NM_007294.4 (MANE Select); 12 bases into the intron before coding-DNA position 5407, C replaced by A.
Molecular consequence: intron variant.
Genome position (GRCh38, 1-based): chr17:43,047,715, G>T on the plus strand (C>A on the coding strand, the complement: BRCA1 is on the minus strand). VCF-style: chr17-43047715-G-T. GRCh37 (hg19) VCF-style: chr17-41199732-G-T.
Other names: c.2098-12C>A (NM_001407974.1, NM_001407973.1, NM_001407975.1 and 3 more transcripts); c.2800-12C>A (NM_001407969.1); c.2803-12C>A (NM_001407968.1); c.5401-12C>A (NM_001407640.1, NM_001407631.1, NM_001407638.1 and 13 more transcripts); c.5404-12C>A (NM_001407626.1, NM_001407617.1, NM_001407622.1 and 14 more transcripts); c.5329-12C>A (NM_001407652.1, NM_001407653.1, NM_001407655.1 and 1 more transcripts); c.5333-12C>A (NM_001407854.1); c.5407-12C>A (NM_001407598.1, NM_001407596.1, NM_001407602.1 and 5 more transcripts); and 83 more.
Identifiers: ClinVar variation 868066 (VCV000868066.3), dbSNP rs1432221089, ClinGen allele CA916080795.

Conditions:
Breast-ovarian cancer, familial, susceptibility to, 1 (BROVCA1). Also called: BRCA1 Hereditary Breast and Ovarian Cancer; OVARIAN CANCER, SUSCEPTIBILITY TO. Identifiers: Orphanet 145, MedGen C2676676, MONDO:0011450, OMIM 604370. Disease mechanism: loss of function.

Submission:

Brotman Baty Institute, University of Washington
No classification provided (evidence only). Condition: Breast-ovarian cancer, familial 1. Review status: no classification provided. Collection method: in vitro. Allele origin: not applicable. Functional consequence: function_uncertain_variant.
ClinVar note: "not provided" was previously submitted as the classification for the variant. However, the classification appeared to be based only on an observation of functional data so it was converted to no classification on 2025-07-30.